The following is an entry in ClinVar:

NM_024422.6(DSC2):c.2251T>C (p.Tyr751His)

Gene: DSC2 (desmocollin 2; minus strand). Cytogenetic location: 18q12.1.
Variant type: single nucleotide variant.
Coding change: c.2251T>C on transcript NM_024422.6 (MANE Select); coding-DNA position 2251, T replaced by C.
Protein change: p.Tyr751His; replaces tyrosine 751 with histidine.
Molecular consequence: missense variant.
Genome position (GRCh38, 1-based): chr18:31,069,151, A>G on the plus strand (T>C on the coding strand, the complement: DSC2 is on the minus strand). VCF-style: chr18-31069151-A-G. GRCh37 (hg19) VCF-style: chr18-28649117-A-G.
Other names: c.1822T>C, p.Tyr608His (NM_001406506.1, NM_001406507.1); c.2251T>C, p.Tyr751His (NM_004949.5); short protein forms Y751H, Y608H.
Identifiers: ClinVar variation 2199450 (VCV002199450.4), dbSNP rs1255942600, ClinGen allele CA402112170.
Genomic context (GRCh38, chr18:31,069,151, plus strand): 5'-TGCCACAAACTCCCTGAGCAGAAGCGCCCACAGTTTGGGTTGTGAAGCCATTCGCAGAAT[A>G]CTGAAATGAAAACAATTTGCATTAGGGATAATACAGAGAGGAACACAAAATTATGAAAAA-3'
Protein context (NP_077740.1, residues 741-761): NTEAPGDDKV[Tyr751His]SANGFTTQTV

ClinVar aggregate classification (germline): Uncertain significance (1 of 4 stars; one submission).

Conditions:
Arrhythmogenic right ventricular dysplasia 11. Also called: Arrhythmogenic right ventricular dysplasia 11 with mild palmoplantar keratoderma and woolly hair; Arrhythmogenic Right Ventricular Dysplasia/Cardiomyopathy11; ARRHYTHMOGENIC RIGHT VENTRICULAR DYSPLASIA, FAMILIAL, 11. Identifiers: MedGen C1864850, MONDO:0012506, OMIM 610476.

Allele frequency attached by ClinVar (database versions not stated): gnomAD 0.00001; TOPMed below 0.00001.
gnomAD v4.1: 1 of 1,614,036 alleles (0.000062%); highest among the groups gnomAD compares: African/African-American, 0.0013%; no homozygotes.

Submission:

Labcorp Genetics (formerly Invitae), Labcorp
Classification: Uncertain significance for Arrhythmogenic right ventricular dysplasia 11. Last evaluated: 2024-02-15. Review status: criteria provided, single submitter. Criteria: Invitae Variant Classification Sherloc (09022015). Collection method: clinical testing. Allele origin: germline.
Comment: This sequence change replaces tyrosine, which is neutral and polar, with histidine, which is basic and polar, at codon 751 of the DSC2 protein (p.Tyr751His). This variant is not present in population databases (gnomAD no frequency). This variant has not been reported in the literature in individuals affected with DSC2-related conditions. ClinVar contains an entry for this variant (Variation ID: 2199450). An algorithm developed to predict the effect of missense changes on protein structure and function (PolyPhen-2) suggests that this variant is likely to be disruptive. In summary, the available evidence is currently insufficient to determine the role of this variant in disease. Therefore, it has been classified as a Variant of Uncertain Significance.